The following is an entry in ClinVar:

NM_000234.3(LIG1):c.1835C>T (p.Ser612Leu)

Gene: LIG1 (DNA ligase 1; minus strand). Cytogenetic location: 19q13.33.
Variant type: single nucleotide variant.
Coding change: c.1835C>T on transcript NM_000234.3 (MANE Select); coding-DNA position 1835, C replaced by T.
Protein change: p.Ser612Leu; replaces serine 612 with leucine.
Molecular consequence: missense variant. On other transcripts: non-coding transcript variant (6).
Genome position (GRCh38, 1-based): chr19:48,128,007, G>A on the plus strand (C>T on the coding strand, the complement: LIG1 is on the minus strand). VCF-style: chr19-48128007-G-A. GRCh37 (hg19) VCF-style: chr19-48631264-G-A.
Other names: c.1742C>T, p.Ser581Leu (NM_001289063.2); c.1631C>T, p.Ser544Leu (NM_001289064.2); c.1832C>T, p.Ser611Leu (NM_001320970.2); c.1745C>T, p.Ser582Leu (NM_001320971.2); short protein forms S582L, S581L, S611L, S612L, S544L.
Identifiers: ClinVar variation 1939676 (VCV001939676.2), dbSNP rs780324684, ClinGen allele CA9546664.

ClinVar aggregate classification (germline): Uncertain significance (1 of 4 stars; one submission).

Allele frequency attached by ClinVar (database versions not stated): TOPMed 0.00003; gnomAD 0.00004.
gnomAD v4.1: 44 of 1,613,926 alleles (0.0027%); highest among the groups gnomAD compares: South Asian, 0.0044%; no homozygotes.

Submission:

Labcorp Genetics (formerly Invitae), Labcorp
Classification: Uncertain significance. Last evaluated: 2022-08-19. Review status: criteria provided, single submitter. Criteria: Invitae Variant Classification Sherloc (09022015). Collection method: clinical testing. Allele origin: germline.
Comment: This sequence change replaces serine, which is neutral and polar, with leucine, which is neutral and non-polar, at codon 612 of the LIG1 protein (p.Ser612Leu). This variant is present in population databases (rs780324684, gnomAD 0.003%). This variant has not been reported in the literature in individuals affected with LIG1-related conditions. Algorithms developed to predict the effect of missense changes on protein structure and function are either unavailable or do not agree on the potential impact of this missense change (SIFT: "Deleterious"; PolyPhen-2: "Benign"; Align-GVGD: "Class C15"). In summary, the available evidence is currently insufficient to determine the role of this variant in disease. Therefore, it has been classified as a Variant of Uncertain Significance.